The following is an entry in ClinVar:

NM_015272.5(RPGRIP1L):c.3628dup (p.Asp1210fs)

Gene: RPGRIP1L (RPGRIP1 like; minus strand). Cytogenetic location: 16q12.2.
Variant type: Duplication.
Coding change: c.3628dup on transcript NM_015272.5 (MANE Select); coding-DNA position 3628, one base duplicated (G; older notation c.3628dupG).
Protein change: p.Asp1210fs; shifts the reading frame from aspartic acid 1210.
Molecular consequence: frameshift variant.
Genome position (GRCh38, 1-based): chr16:53,611,040, C duplicated on the plus strand (G on the coding strand, the reverse complement: RPGRIP1L is on the minus strand); the first of 2 consecutive C bases (chr16:53,611,040-53,611,041); duplicating either gives the same sequence. VCF-style (leftmost placement, unchanged base first): chr16-53611039-T-TC. GRCh37 (hg19) VCF-style: chr16-53644951-T-TC.
Other names: c.3388dup, p.Asp1130fs (NM_001127897.4); c.3490dup, p.Asp1164fs (NM_001308334.3); c.3526dup, p.Asp1176fs (NM_001330538.2); short protein forms D1130fs, D1164fs, D1176fs, D1210fs.
Identifiers: ClinVar variation 1415602 (VCV001415602.6), dbSNP rs2150938444, ClinGen allele CA2573152462.

ClinVar aggregate classification (germline): Pathogenic (1 of 4 stars; one submission).

Conditions:
Joubert syndrome. Also called: CEREBELLOPARENCHYMAL DISORDER IV; JOUBERT-BOLTSHAUSER SYNDROME; Familial aplasia of the vermis. Identifiers: Orphanet 475, MedGen C5979921, MONDO:0018772.
Meckel-Gruber syndrome. Also called: DYSENCEPHALIA SPLANCHNOCYSTICA; GRUBER SYNDROME; Dysencephalia splachnocystica. Identifiers: Orphanet 564, MedGen C0265215, MONDO:0018921.

Submission:

Labcorp Genetics (formerly Invitae), Labcorp
Classification: Pathogenic for Joubert syndrome; Meckel-Gruber syndrome. Last evaluated: 2021-02-21. Review status: criteria provided, single submitter. Criteria: Invitae Variant Classification Sherloc (09022015). Collection method: clinical testing. Allele origin: germline.
Comment: This sequence change creates a premature translational stop signal (p.Asp1210Glyfs*2) in the RPGRIP1L gene. It is expected to result in an absent or disrupted protein product. Loss-of-function variants in RPGRIP1L are known to be pathogenic (PMID: 17558409). This variant is not present in population databases (ExAC no frequency). This variant has not been reported in the literature in individuals with RPGRIP1L-related conditions. For these reasons, this variant has been classified as Pathogenic.

Literature cited by the submitters: PubMed 17558409.